The following is an entry in ClinVar:

NM_006642.5(SDCCAG8):c.729G>A (p.Leu243=)

Gene: SDCCAG8 (SHH signaling and ciliogenesis regulator SDCCAG8; plus strand). Cytogenetic location: 1q43.
Variant type: single nucleotide variant.
Coding change: c.729G>A on transcript NM_006642.5 (MANE Select); coding-DNA position 729, G replaced by A.
Protein change: p.Leu243=; no amino-acid change (leucine 243 retained).
Molecular consequence: synonymous variant. On other transcripts: 5 prime UTR variant (3).
Genome position (GRCh38, 1-based): chr1:243,304,766, G>A. VCF-style: chr1-243304766-G-A. GRCh37 (hg19) VCF-style: chr1-243468068-G-A.
Other names: c.-384G>A (NM_001350246.2); c.-272G>A (NM_001350247.2); c.825G>A, p.Leu275= (NM_001350248.2); c.435G>A, p.Leu145= (NM_001350249.2); c.-549G>A (NM_001350251.2); c.825G>A (NM_001350248.1).
Identifiers: ClinVar variation 1087722 (VCV001087722.13), dbSNP rs199629519, ClinGen allele CA1483414.

ClinVar aggregate classification (germline): Likely benign. Review status: criteria provided, multiple submitters, no conflicts (2 of 4 stars). 4 submissions from 4 submitters: Likely benign (3). 1 of the submissions does not count toward it. Last evaluated 2025-12-11.

Conditions:
SDCCAG8-related disorder. Also called: SDCCAG8-related condition; SDCCAG8-Related Disorders.
Senior-Loken syndrome 7 (SLSN7). Identifiers: Orphanet 3156, MedGen C3150877, MONDO:0013326, OMIM 613615.
Bardet-Biedl syndrome 16 (BBS16). Identifiers: Orphanet 110, MedGen C3889474, MONDO:0014444, OMIM 615993.

Allele frequency attached by ClinVar (database versions not stated): gnomAD exomes 0.00002 and 0.00012; gnomAD 0.00009; ExAC 0.00011; TOPMed 0.00013; 1000 Genomes Project 30x 0.00016; 1000 Genomes Project 0.00020.
gnomAD v4.1: 45 of 1,587,966 alleles (0.0028%); highest among the groups gnomAD compares: Admixed American, 0.075%; no homozygotes.

Submissions (4):

Labcorp Genetics (formerly Invitae), Labcorp
Classification: Likely benign for Bardet-Biedl syndrome 16; Senior-Loken syndrome 7. Last evaluated: 2025-12-11. Review status: criteria provided, single submitter. Criteria: Invitae Variant Classification Sherloc (09022015). Collection method: clinical testing. Allele origin: germline.

Blueprint Genetics
Classification: Likely benign. Last evaluated: 2021-09-03. Review status: criteria provided, single submitter. Criteria: ACMG Guidelines, 2015. Collection method: clinical testing. Allele origin: germline.

Fulgent Genetics
Classification: Likely benign for Senior-Loken syndrome 7; Bardet-Biedl syndrome 16. Last evaluated: 2021-07-10. Review status: criteria provided, single submitter. Criteria: ACMG Guidelines, 2015. Collection method: clinical testing. Allele origin: unknown.

PreventionGenetics, part of Exact Sciences
Classification: Likely benign for SDCCAG8-related condition. Last evaluated: 2019-10-22. Review status: no assertion criteria provided. Collection method: clinical testing. Allele origin: germline. Not counted in ClinVar's aggregate classification.
Comment: This variant is classified as likely benign based on ACMG/AMP sequence variant interpretation guidelines (Richards et al. 2015 PMID: 25741868, with internal and published modifications).